The following is an entry in ClinVar:

NM_001267550.2(TTN):c.56794A>T (p.Lys18932Ter)

Genes: TTN-AS1 (TTN antisense RNA 1; plus strand), TTN (titin; minus strand). Cytogenetic location: 2q31.2.
Variant type: single nucleotide variant.
Coding change: c.56794A>T on transcript NM_001267550.2 (MANE Select); coding-DNA position 56794, A replaced by T.
Protein change: p.Lys18932Ter; replaces lysine 18932 with a stop codon.
Molecular consequence: nonsense.
Genome position (GRCh38, 1-based): chr2:178,598,916, T>A on the plus strand (A>T on the coding strand, the complement: TTN is on the minus strand). VCF-style: chr2-178598916-T-A. GRCh37 (hg19) VCF-style: chr2-179463643-T-A.
Other names: c.51871A>T, p.Lys17291Ter (NM_001256850.1); c.29599A>T, p.Lys9867Ter (NM_003319.4); c.49090A>T, p.Lys16364Ter (NM_133378.4); c.29974A>T, p.Lys9992Ter (NM_133432.3); c.30175A>T, p.Lys10059Ter (NM_133437.4); short protein forms K16364*, K9867*, K9992*, K10059*, K18932*, K17291*.
Identifiers: ClinVar variation 1505665 (VCV001505665.6), dbSNP rs2154190918, ClinGen allele CA349526755.

ClinVar aggregate classification (germline): Likely pathogenic (1 of 4 stars; one submission).

Conditions:
Dilated cardiomyopathy 1G (CMD1G). Identifiers: Orphanet 154, MedGen C1858763, MONDO:0011400, OMIM 604145.
Autosomal recessive limb-girdle muscular dystrophy type 2J (LGMDR10). Also called: MUSCULAR DYSTROPHY, LIMB-GIRDLE, AUTOSOMAL RECESSIVE 10; Limb-girdle muscular dystrophy, type 2J. Identifiers: Orphanet 140922, MedGen C1837342, MONDO:0012127, OMIM 608807.

Submission:

Labcorp Genetics (formerly Invitae), Labcorp
Classification: Likely pathogenic for Dilated cardiomyopathy 1G; Autosomal recessive limb-girdle muscular dystrophy type 2J. Last evaluated: 2025-09-10. Review status: criteria provided, single submitter. Criteria: Invitae Variant Classification Sherloc (09022015). Collection method: clinical testing. Allele origin: germline.
Comment: This sequence change creates a premature translational stop signal (p.Lys18932*) in the TTN gene. While this is not anticipated to result in nonsense mediated decay, it is expected to disrupt the last 17060 amino acid(s) of the TTN protein. This variant is not present in population databases (gnomAD no frequency). This variant has not been reported in the literature in individuals affected with TTN-related conditions. ClinVar contains an entry for this variant (Variation ID: 1505665). This variant is located in the A band of TTN (PMID: 25589632). Truncating variants in this region are significantly overrepresented in patients affected with dilated cardiomyopathy (PMID: 25589632). Truncating variants in this region have also been reported in individuals affected with autosomal recessive centronuclear myopathy (PMID: 23975875). In summary, the currently available evidence indicates that the variant is pathogenic, but additional data are needed to prove that conclusively. Therefore, this variant has been classified as Likely Pathogenic.

Literature cited by the submitters: PubMed 25589632; PubMed 23975875.